The following is an entry in ClinVar:

NM_001852.4(COL9A2):c.376C>A (p.Pro126Thr)

Gene: COL9A2 (collagen type IX alpha 2 chain; minus strand). Cytogenetic location: 1p34.2.
Variant type: single nucleotide variant.
Coding change: c.376C>A on transcript NM_001852.4 (MANE Select); coding-DNA position 376, C replaced by A.
Protein change: p.Pro126Thr; replaces proline 126 with threonine.
Molecular consequence: missense variant.
Genome position (GRCh38, 1-based): chr1:40,312,100, G>T on the plus strand (C>A on the coding strand, the complement: COL9A2 is on the minus strand). VCF-style: chr1-40312100-G-T. GRCh37 (hg19) VCF-style: chr1-40777772-G-T.
Other names: short protein forms P126T.
Identifiers: ClinVar variation 1017332 (VCV001017332.16), dbSNP rs146903539, ClinGen allele CA791960.
Genomic context (GRCh38, chr1:40,312,100, plus strand): 5'-GAGGGTGGCTGAGGCTCACCTTGGGGCCTCGGATTCCAATCTCACCAGGGAGGCCAACAG[G>T]TCCAGGAGGCCCCTGGGGAGCAGAGAGTTGATGGTCAGGATGCCTCAGAGGGTCAGATAC-3'
Protein context (NP_001843.1, residues 116-136): GFAGPPGPPG[Pro126Thr]VGLPGEIGIR

ClinVar aggregate classification (germline): Conflicting classifications of pathogenicity. Review status: criteria provided, conflicting classifications (1 of 4 stars). 4 submissions from 4 submitters: Uncertain significance (1); Likely benign (2). 1 of the submissions does not count toward it. Last evaluated 2025-12-08.

Conditions:
COL9A2-related disorder. Also called: COL9A2-related condition.

Allele frequency attached by ClinVar (database versions not stated): gnomAD exomes 0.00004 and 0.00013; ExAC 0.00025; gnomAD 0.00041 and 0.00043; TOPMed 0.00048; ESP Exome Variant Server 0.00054; 1000 Genomes Project 0.00140; 1000 Genomes Project 30x 0.00141.

Submissions (4):

Labcorp Genetics (formerly Invitae), Labcorp
Classification: Likely benign. Last evaluated: 2025-12-08. Review status: criteria provided, single submitter. Criteria: Invitae Variant Classification Sherloc (09022015). Collection method: clinical testing. Allele origin: germline.

Blueprint Genetics
Classification: Likely benign. Last evaluated: 2024-10-03. Review status: criteria provided, single submitter. Criteria: ACMG Guidelines, 2015. Collection method: clinical testing. Allele origin: germline.

GeneDx
Classification: Uncertain significance. Last evaluated: 2023-11-30. Review status: criteria provided, single submitter. Criteria: GeneDx Variant Classification Process June 2021. Collection method: clinical testing. Allele origin: germline. Affected: yes.
Comment: Has not been previously published as pathogenic or benign to our knowledge; In silico analysis supports that this missense variant has a deleterious effect on protein structure/function

PreventionGenetics, part of Exact Sciences
Classification: Likely benign for COL9A2-related condition. Last evaluated: 2022-07-11. Review status: no assertion criteria provided. Collection method: clinical testing. Allele origin: germline. Not counted in ClinVar's aggregate classification.
Comment: This variant is classified as likely benign based on ACMG/AMP sequence variant interpretation guidelines (Richards et al. 2015 PMID: 25741868, with internal and published modifications).